The following is an entry in ClinVar:

ClinVar aggregate classification (germline): Uncertain significance. Review status: criteria provided, multiple submitters, no conflicts (2 of 4 stars). 3 submissions from 3 submitters: Uncertain significance (3). Last evaluated 2025-12-11.

Conditions:
Inborn genetic diseases. Identifiers: MedGen C0950123, MeSH D030342.

Allele frequency attached by ClinVar (database versions not stated): TOPMed 0.00003; gnomAD 0.00008 and 0.00009; gnomAD exomes 0.00011 and 0.00016; 1000 Genomes Project 30x 0.00016; ExAC 0.00018; 1000 Genomes Project 0.00020.
gnomAD v4.1: 167 of 1,613,828 alleles (0.01%); highest among the groups gnomAD compares: Non-Finnish European, 0.0091%; no homozygotes.

Submissions (3):

Ambry Genetics
Classification: Uncertain significance for Inborn genetic diseases. Last evaluated: 2025-12-11. Review status: criteria provided, single submitter. Criteria: Ambry Variant Classification Scheme 2023. Collection method: clinical testing. Allele origin: germline.

Mayo Clinic Laboratories, Mayo Clinic
Classification: Uncertain significance. Last evaluated: 2025-11-26. Review status: criteria provided, single submitter. Criteria: ACMG Guidelines, 2015. Collection method: clinical testing. Allele origin: germline. Observed: 1 variant allele.
Comment: BP4

Labcorp Genetics (formerly Invitae), Labcorp
Classification: Uncertain significance. Last evaluated: 2024-05-02. Review status: criteria provided, single submitter. Criteria: Invitae Variant Classification Sherloc (09022015). Collection method: clinical testing. Allele origin: germline.
Comment: This sequence change replaces glycine, which is neutral and non-polar, with glutamic acid, which is acidic and polar, at codon 60 of the DNA2 protein (p.Gly60Glu). This variant is present in population databases (rs201396965, gnomAD 0.07%). This variant has not been reported in the literature in individuals affected with DNA2-related conditions. ClinVar contains an entry for this variant (Variation ID: 1368235). An algorithm developed to predict the effect of missense changes on protein structure and function (PolyPhen-2) suggests that this variant is likely to be tolerated. In summary, the available evidence is currently insufficient to determine the role of this variant in disease. Therefore, it has been classified as a Variant of Uncertain Significance.

NM_001080449.3(DNA2):c.179G>A (p.Gly60Glu)

Gene: DNA2 (DNA replication helicase/nuclease 2; minus strand). Cytogenetic location: 10q21.3.
Variant type: single nucleotide variant.
Coding change: c.179G>A on transcript NM_001080449.3 (MANE Select); coding-DNA position 179, G replaced by A.
Protein change: p.Gly60Glu; replaces glycine 60 with glutamic acid.
Molecular consequence: missense variant. On other transcripts: non-coding transcript variant (1).
Genome position (GRCh38, 1-based): chr10:68,470,059, C>T on the plus strand (G>A on the coding strand, the complement: DNA2 is on the minus strand). VCF-style: chr10-68470059-C-T. GRCh37 (hg19) VCF-style: chr10-70229816-C-T.
Other names: p.Gly60Glu; c.179G>A (NM_001080449.2); short protein forms G60E.
Identifiers: ClinVar variation 1368235 (VCV001368235.10), dbSNP rs201396965, ClinGen allele CA5525362.